The following is an entry in ClinVar:

ClinVar aggregate classification (germline): Benign (0 of 4 stars; one submission).

Conditions:
THADA-related disorder. Also called: THADA-related condition.

Allele frequency attached by ClinVar (database versions not stated): ESP Exome Variant Server 0.00512; 1000 Genomes Project 0.00619; 1000 Genomes Project 30x 0.00718.
gnomAD v4.1: 1,409 of 1,613,844 alleles (0.087%); highest among the groups gnomAD compares: African/African-American, 1.6%; 17 homozygotes.

Submission:

PreventionGenetics, part of Exact Sciences
Classification: Benign for THADA-related condition. Last evaluated: 2019-03-18. Review status: no assertion criteria provided. Collection method: clinical testing. Allele origin: germline.
Comment: This variant is classified as benign based on ACMG/AMP sequence variant interpretation guidelines (Richards et al. 2015 PMID: 25741868, with internal and published modifications).

NM_022065.5(THADA):c.2496A>C (p.Ala832=)

Gene: THADA (THADA armadillo repeat containing; minus strand). Cytogenetic location: 2p21.
Variant type: single nucleotide variant.
Coding change: c.2496A>C on transcript NM_022065.5 (MANE Select); coding-DNA position 2496, A replaced by C.
Protein change: p.Ala832=; no amino-acid change (alanine 832 retained).
Molecular consequence: synonymous variant. On other transcripts: non-coding transcript variant (2).
Genome position (GRCh38, 1-based): chr2:43,556,523, T>G on the plus strand (A>C on the coding strand, the complement: THADA is on the minus strand). VCF-style: chr2-43556523-T-G. GRCh37 (hg19) VCF-style: chr2-43783662-T-G.
Other names: c.2496A>C, p.Ala832= (NM_001083953.2, NM_001271643.2, NM_001271644.2 and 2 more transcripts); c.2376A>C, p.Ala792= (NM_001345924.2); c.1626A>C, p.Ala542= (NM_198554.1).
Identifiers: ClinVar variation 3056514 (VCV003056514.2), dbSNP rs6712958, ClinGen allele CA1632927.